The following is an entry in ClinVar:

NM_001308093.3(GATA4):c.251A>G (p.Gln84Arg)

Gene: GATA4 (GATA binding protein 4). Cytogenetic location: 8p23.1.
Variant type: single nucleotide variant.
Coding change: c.251A>G on transcript NM_001308093.3 (MANE Select); coding-DNA position 251, A replaced by G.
Protein change: p.Gln84Arg; replaces glutamine 84 with arginine.
Molecular consequence: missense variant. On other transcripts: intron variant (3).
Genome position (GRCh38, 1-based): chr8:11,708,563, A>G. VCF-style: chr8-11708563-A-G. GRCh37 (hg19) VCF-style: chr8-11566072-A-G.
Other names: c.251A>G, p.Gln84Arg (NM_002052.5); c.-6+7785A>G (NM_001308094.2); c.-3+549A>G (NM_001374274.1); c.-3+4259A>G (NM_001374273.1); short protein forms Q84R.
Identifiers: ClinVar variation 577466 (VCV000577466.9), dbSNP rs899093640, ClinGen allele CA172074710.

ClinVar aggregate classification (germline): Uncertain significance. Review status: criteria provided, multiple submitters, no conflicts (2 of 4 stars). 2 submissions from 2 submitters: Uncertain significance (2). Last evaluated 2024-06-03.

Conditions:
Cardiovascular phenotype. Identifiers: MedGen CN230736.
Atrioventricular septal defect 4 (AVSD4). Identifiers: MedGen C3280781, MONDO:0013747, OMIM 614430.

Allele frequency attached by ClinVar (database versions not stated): TOPMed below 0.00001.

Submissions (2):

Ambry Genetics
Classification: Uncertain significance for Cardiovascular phenotype. Last evaluated: 2024-06-03. Review status: criteria provided, single submitter. Criteria: Ambry Variant Classification Scheme 2023. Collection method: clinical testing. Allele origin: germline.
Comment: The p.Q84R variant (also known as c.251A>G), located in coding exon 1 of the GATA4 gene, results from an A to G substitution at nucleotide position 251. The glutamine at codon 84 is replaced by arginine, an amino acid with highly similar properties. This amino acid position is conserved. In addition, the in silico prediction for this alteration is inconclusive. Based on the available evidence, the clinical significance of this variant remains unclear.

Labcorp Genetics (formerly Invitae), Labcorp
Classification: Uncertain significance for Atrioventricular septal defect 4. Last evaluated: 2022-10-08. Review status: criteria provided, single submitter. Criteria: Invitae Variant Classification Sherloc (09022015). Collection method: clinical testing. Allele origin: germline.
Comment: In summary, the available evidence is currently insufficient to determine the role of this variant in disease. Therefore, it has been classified as a Variant of Uncertain Significance. Advanced modeling of protein sequence and biophysical properties (such as structural, functional, and spatial information, amino acid conservation, physicochemical variation, residue mobility, and thermodynamic stability) performed at Invitae indicates that this missense variant is not expected to disrupt GATA4 protein function. ClinVar contains an entry for this variant (Variation ID: 577466). This variant has not been reported in the literature in individuals affected with GATA4-related conditions. This variant is not present in population databases (gnomAD no frequency). This sequence change replaces glutamine, which is neutral and polar, with arginine, which is basic and polar, at codon 84 of the GATA4 protein (p.Gln84Arg).